The following is an entry in ClinVar:

NM_000704.3(ATP4A):c.643C>T (p.Arg215Cys)

Gene: ATP4A (ATPase H+/K+ transporting subunit alpha; minus strand). Cytogenetic location: 19q13.12.
Variant type: single nucleotide variant.
Coding change: c.643C>T on transcript NM_000704.3 (MANE Select); coding-DNA position 643, C replaced by T.
Protein change: p.Arg215Cys; replaces arginine 215 with cysteine.
Molecular consequence: missense variant.
Genome position (GRCh38, 1-based): chr19:35,560,507, G>A on the plus strand (C>T on the coding strand, the complement: ATP4A is on the minus strand). VCF-style: chr19-35560507-G-A. GRCh37 (hg19) VCF-style: chr19-36051409-G-A.
Other names: short protein forms R215C.
Identifiers: ClinVar variation 4722855 (VCV004722855.1).

ClinVar aggregate classification (germline): Uncertain significance (1 of 4 stars; one submission).

Submission:

Labcorp Genetics (formerly Invitae), Labcorp
Classification: Uncertain significance. Last evaluated: 2026-01-24. Review status: criteria provided, single submitter. Criteria: Invitae Variant Classification Sherloc (09022015). Collection method: clinical testing. Allele origin: germline.
Comment: This sequence change replaces arginine, which is basic and polar, with cysteine, which is neutral and slightly polar, at codon 215 of the ATP4A protein (p.Arg215Cys). This variant is present in population databases (rs376213037, gnomAD 0.003%). This variant has not been reported in the literature in individuals affected with ATP4A-related conditions. Invitae Evidence Modeling of protein sequence and biophysical properties (such as structural, functional, and spatial information, amino acid conservation, physicochemical variation, residue mobility, and thermodynamic stability) indicates that this missense variant is expected to disrupt ATP4A protein function with a positive predictive value of 80%. In summary, the available evidence is currently insufficient to determine the role of this variant in disease. Therefore, it has been classified as a Variant of Uncertain Significance.